The following is an entry in ClinVar:

ClinVar aggregate classification (germline): Likely benign. Review status: criteria provided, multiple submitters, no conflicts (2 of 4 stars). 2 submissions from 2 submitters: Likely benign (2). Last evaluated 2025-05-14.

Conditions:
SLC6A3-related disorder. Also called: SLC6A3-related condition.
Parkinsonism-dystonia, infantile. Identifiers: Orphanet 238455, MedGen C2751067, MONDO:0013150.

Allele frequency attached by ClinVar (database versions not stated): ExAC 0.00001; gnomAD 0.00001 and 0.00002; gnomAD exomes 0.00001; 1000 Genomes Project 30x 0.00016; 1000 Genomes Project 0.00020.
gnomAD v4.1: 17 of 1,608,904 alleles (0.0011%); highest among the groups gnomAD compares: Admixed American, 0.0033%; no homozygotes.

Submissions (2):

PreventionGenetics, part of Exact Sciences
Classification: Likely benign for SLC6A3-related condition. Last evaluated: 2025-05-14. Review status: criteria provided, single submitter. Criteria: ACMG Guidelines, 2015. Collection method: clinical testing. Allele origin: germline.
Comment: This variant is classified as likely benign based on ACMG/AMP sequence variant interpretation guidelines (Richards et al. 2015 PMID: 25741868, with internal and published modifications).

Labcorp Genetics (formerly Invitae), Labcorp
Classification: Likely benign for Parkinsonism-dystonia, infantile. Last evaluated: 2024-11-24. Review status: criteria provided, single submitter. Criteria: Invitae Variant Classification Sherloc (09022015). Collection method: clinical testing. Allele origin: germline.

NM_001044.5(SLC6A3):c.419-6C>T

Gene: SLC6A3 (solute carrier family 6 member 3). Cytogenetic location: 5p15.33.
Variant type: single nucleotide variant.
Coding change: c.419-6C>T on transcript NM_001044.5 (MANE Select); 6 bases into the intron before coding-DNA position 419, C replaced by T.
Molecular consequence: intron variant.
Genome position (GRCh38, 1-based): chr5:1,432,704, G>A on the plus strand (C>T on the coding strand, the complement: SLC6A3 is on the minus strand). VCF-style: chr5-1432704-G-A. GRCh37 (hg19) VCF-style: chr5-1432819-G-A.
Other names: c.419-6C>T (NM_001044.4).
Identifiers: ClinVar variation 1452049 (VCV001452049.9), dbSNP rs540824168, ClinGen allele CA3186373.